The following is an entry in ClinVar:

ClinVar aggregate classification (germline): Pathogenic (1 of 4 stars; one submission).

Conditions:
RYR1-related disorder. Also called: RYR1-related condition; RYR1-related disorders. Identifiers: MedGen CN239331.

Submission:

Labcorp Genetics (formerly Invitae), Labcorp
Classification: Pathogenic for RYR1-related disorder. Last evaluated: 2023-10-15. Review status: criteria provided, single submitter. Criteria: Invitae Variant Classification Sherloc (09022015). Collection method: clinical testing. Allele origin: germline.
Comment: This sequence change creates a premature translational stop signal (p.Leu68Argfs*50) in the RYR1 gene. It is expected to result in an absent or disrupted protein product. Loss-of-function variants in RYR1 are known to be pathogenic (PMID: 23919265, 25960145, 28818389, 30611313). This variant is not present in population databases (gnomAD no frequency). This variant has not been reported in the literature in individuals affected with RYR1-related conditions. For these reasons, this variant has been classified as Pathogenic.

Literature cited by the submitters: PubMed 23919265; PubMed 25960145; PubMed 28818389; PubMed 30611313.

NM_000540.3(RYR1):c.203del (p.Leu68fs)

Gene: RYR1 (ryanodine receptor 1; plus strand). Cytogenetic location: 19q13.2.
Variant type: Deletion.
Coding change: c.203del on transcript NM_000540.3 (MANE Select); coding-DNA position 203, one base deleted (T; older notation c.203delT).
Protein change: p.Leu68fs; shifts the reading frame from leucine 68.
Molecular consequence: frameshift variant.
Genome position (GRCh38, 1-based): chr19:38,442,386, T deleted. VCF-style (leftmost placement, unchanged base first): chr19-38442385-CT-C. GRCh37 (hg19) VCF-style: chr19-38933025-CT-C.
Other names: c.203del, p.Leu68fs (NM_001042723.2); short protein forms L68fs.
Identifiers: ClinVar variation 2768705 (VCV002768705.3), dbSNP rs2513965560, ClinGen allele CA2697556523.
Genomic context (GRCh38, chr19:38,442,385, plus strand): 5'-ACTTACATCCCCCTCCCACCCCAGAATGTGCCCCCCGATCTGGCCATCTGTTGCTTCGTC[CT>C]GGAGCAGTCCCTGTCTGTGCGAGCCCTGCAGGAGATGCTGGCTAACACGGTGGAGGCTGG-3'